The following is an entry in ClinVar:

NM_000059.4(BRCA2):c.5692G>T (p.Asp1898Tyr)

Gene: BRCA2 (BRCA2 DNA repair associated; plus strand). Cytogenetic location: 13q13.1.
Variant type: single nucleotide variant.
Coding change: c.5692G>T on transcript NM_000059.4 (MANE Select); coding-DNA position 5692, G replaced by T.
Protein change: p.Asp1898Tyr; replaces aspartic acid 1898 with tyrosine.
Molecular consequence: missense variant.
Genome position (GRCh38, 1-based): chr13:32,340,047, G>T. VCF-style: chr13-32340047-G-T. GRCh37 (hg19) VCF-style: chr13-32914184-G-T.
Other names: short protein forms D1898Y.
Identifiers: ClinVar variation 462385 (VCV000462385.13), dbSNP rs1476725701, ClinGen allele CA387786672.

ClinVar aggregate classification (germline): Conflicting classifications of pathogenicity. Review status: criteria provided, conflicting classifications (1 of 4 stars). 3 submissions from 3 submitters: Uncertain significance (2); Likely benign (1). Last evaluated 2024-10-03.

Conditions:
Hereditary cancer-predisposing syndrome. Also called: Neoplastic Syndromes, Hereditary; Hereditary Cancer Syndrome; Hereditary neoplastic syndrome; Tumor predisposition. Identifiers: Orphanet 140162, MedGen C0027672, MeSH D009386, MONDO:0015356.
Hereditary breast ovarian cancer syndrome. Also called: Hereditary breast and ovarian cancer syndrome (HBOC); Hereditary breast and ovarian cancer syndrome; Breast and ovarian cancer; Hereditary breast and/or ovarian cancer syndrome; Hereditary breast and ovarian cancer; BRCA1- and BRCA2-Associated Hereditary Breast and Ovarian Cancer. Identifiers: Orphanet 145, MedGen C0677776, MeSH D061325, MONDO:0003582. Disease mechanism: loss of function.

Allele frequency attached by ClinVar (database versions not stated): gnomAD exomes below 0.00001.

Submissions (3):

Labcorp Genetics (formerly Invitae), Labcorp
Classification: Uncertain significance for Hereditary breast ovarian cancer syndrome. Last evaluated: 2024-10-03. Review status: criteria provided, single submitter. Criteria: Invitae Variant Classification Sherloc (09022015). Collection method: clinical testing. Allele origin: germline.
Comment: This sequence change replaces aspartic acid, which is acidic and polar, with tyrosine, which is neutral and polar, at codon 1898 of the BRCA2 protein (p.Asp1898Tyr). This variant is present in population databases (no rsID available, gnomAD 0.006%). This variant has not been reported in the literature in individuals affected with BRCA2-related conditions. ClinVar contains an entry for this variant (Variation ID: 462385). Invitae Evidence Modeling of protein sequence and biophysical properties (such as structural, functional, and spatial information, amino acid conservation, physicochemical variation, residue mobility, and thermodynamic stability) indicates that this missense variant is not expected to disrupt BRCA2 protein function with a negative predictive value of 95%. In summary, the available evidence is currently insufficient to determine the role of this variant in disease. Therefore, it has been classified as a Variant of Uncertain Significance.

Ambry Genetics
Classification: Uncertain significance for Hereditary cancer-predisposing syndrome. Last evaluated: 2024-01-03. Review status: criteria provided, single submitter. Criteria: Ambry Variant Classification Scheme 2023. Collection method: clinical testing. Allele origin: germline.
Comment: The p.D1898Y variant (also known as c.5692G>T), located in coding exon 10 of the BRCA2 gene, results from a G to T substitution at nucleotide position 5692. The aspartic acid at codon 1898 is replaced by tyrosine, an amino acid with highly dissimilar properties. This amino acid position is poorly conserved in available vertebrate species. In addition, the in silico prediction for this alteration is inconclusive. Since supporting evidence is limited at this time, the clinical significance of this alteration remains unclear.

University of Washington Department of Laboratory Medicine, University of Washington
Classification: Likely benign for Hereditary cancer-predisposing syndrome. Last evaluated: 2023-03-23. Review status: criteria provided, single submitter. Criteria: Dines et al. (Genet Med. 2020). Collection method: curation. Allele origin: germline.
Comment: Missense variant in a coldspot region where missense variants are very unlikely to be pathogenic (PMID:31911673).

BRCA2 exon 11 coldspot. Reclassification based on statistical prior probability.